The following is an entry in ClinVar:

ClinVar aggregate classification (germline): Uncertain significance. Review status: criteria provided, multiple submitters, no conflicts (2 of 4 stars). 2 submissions from 2 submitters: Uncertain significance (2). Last evaluated 2025-11-19.

Conditions:
Inborn genetic diseases. Identifiers: MedGen C0950123, MeSH D030342.

Allele frequency attached by ClinVar (database versions not stated): ExAC 0.00002; gnomAD exomes 0.00005; TOPMed 0.00007; gnomAD 0.00005.
gnomAD v4.1: 76 of 1,612,758 alleles (0.0047%); highest among the groups gnomAD compares: Non-Finnish European, 0.0057%; no homozygotes.

Submissions (2):

Ambry Genetics
Classification: Uncertain significance for Inborn genetic diseases. Last evaluated: 2025-11-19. Review status: criteria provided, single submitter. Criteria: Ambry Variant Classification Scheme 2023. Collection method: clinical testing. Allele origin: germline.

Labcorp Genetics (formerly Invitae), Labcorp
Classification: Uncertain significance. Last evaluated: 2022-07-02. Review status: criteria provided, single submitter. Criteria: Invitae Variant Classification Sherloc (09022015). Collection method: clinical testing. Allele origin: germline.
Comment: In summary, the available evidence is currently insufficient to determine the role of this variant in disease. Therefore, it has been classified as a Variant of Uncertain Significance. Algorithms developed to predict the effect of missense changes on protein structure and function are either unavailable or do not agree on the potential impact of this missense change (SIFT: "Deleterious"; PolyPhen-2: "Possibly Damaging"; Align-GVGD: "Class C0"). This sequence change replaces isoleucine, which is neutral and non-polar, with methionine, which is neutral and non-polar, at codon 180 of the EDNRB protein (p.Ile180Met). This variant is present in population databases (rs759131722, gnomAD 0.005%). This variant has not been reported in the literature in individuals affected with EDNRB-related conditions.

NM_001122659.3(EDNRB):c.540A>G (p.Ile180Met)

Genes: EDNRB (endothelin receptor type B; minus strand), EDNRB-AS1 (EDNRB antisense RNA 1; plus strand). Cytogenetic location: 13q22.3.
Variant type: single nucleotide variant.
Coding change: c.540A>G on transcript NM_001122659.3 (MANE Select); coding-DNA position 540, A replaced by G.
Protein change: p.Ile180Met; replaces isoleucine 180 with methionine.
Molecular consequence: missense variant.
Genome position (GRCh38, 1-based): chr13:77,903,551, T>C on the plus strand (A>G on the coding strand, the complement: EDNRB is on the minus strand). VCF-style: chr13-77903551-T-C. GRCh37 (hg19) VCF-style: chr13-78477686-T-C.
Other names: c.540A>G, p.Ile180Met (NM_000115.5, NM_003991.4); c.810A>G, p.Ile270Met (NM_001201397.2); short protein forms I180M, I270M.
Identifiers: ClinVar variation 2054497 (VCV002054497.6), dbSNP rs759131722, ClinGen allele CA7012313.